The following is an entry in ClinVar:

NM_000890.5(KCNJ5):c.1249G>A (p.Gly417Ser)

Gene: KCNJ5 (potassium inwardly rectifying channel subfamily J member 5; plus strand). Cytogenetic location: 11q24.3.
Variant type: single nucleotide variant.
Coding change: c.1249G>A on transcript NM_000890.5 (MANE Select); coding-DNA position 1249, G replaced by A.
Protein change: p.Gly417Ser; replaces glycine 417 with serine.
Molecular consequence: missense variant.
Genome position (GRCh38, 1-based): chr11:128,916,720, G>A. VCF-style: chr11-128916720-G-A. GRCh37 (hg19) VCF-style: chr11-128786615-G-A.
Other names: c.1249G>A, p.Gly417Ser (NM_001354169.2); short protein forms G417S.
Identifiers: ClinVar variation 5023004 (VCV005023004.1).

ClinVar aggregate classification (germline): Uncertain significance (1 of 4 stars; one submission).

Conditions:
Cardiovascular phenotype. Identifiers: MedGen CN230736.

gnomAD v4.1: 4 of 1,603,088 alleles (0.00025%); highest among the groups gnomAD compares: Non-Finnish European, 0.00034%; no homozygotes.

Submission:

Ambry Genetics
Classification: Uncertain significance for Cardiovascular phenotype. Last evaluated: 2026-07-17. Review status: criteria provided, single submitter. Criteria: Ambry Variant Classification Scheme 2023. Collection method: clinical testing. Allele origin: germline.
Comment: The p.G417S variant (also known as c.1249G>A), located in coding exon 2 of the KCNJ5 gene, results from a G to A substitution at nucleotide position 1249. The glycine at codon 417 is replaced by serine, an amino acid with similar properties. This amino acid position is conserved. In addition, this alteration is predicted to be tolerated by in silico analysis. Based on the available evidence, the clinical significance of this variant remains unclear.